The following is an entry in ClinVar:

ClinVar aggregate classification (germline): Pathogenic. Review status: criteria provided, multiple submitters, no conflicts (2 of 4 stars). 4 submissions from 4 submitters: Pathogenic (4). Last evaluated 2025-01-21.

Conditions:
Marfan syndrome (MFS). Also called: MARFAN SYNDROME, TYPE I; Marfan syndrome type 1; Marfan's syndrome; Marfan syndrome, classic; FBN1-Related Marfan Syndrome. Identifiers: Orphanet 284963, Orphanet 558, MedGen C0024796, MONDO:0007947, OMIM 154700.
Familial thoracic aortic aneurysm and aortic dissection (TAAD). Also called: Thoracic aortic aneurysms and dissections. Identifiers: Orphanet 91387, MedGen C4707243, MONDO:0019625.

Submissions (4):

GeneDx
Classification: Pathogenic. Last evaluated: 2025-01-21. Review status: criteria provided, single submitter. Criteria: GeneDx Variant Classification Process June 2021. Collection method: clinical testing. Allele origin: germline. Affected: yes.
Comment: Nonsense variant predicted to result in protein truncation or nonsense mediated decay in a gene for which loss of function is a known mechanism of disease; Not observed at significant frequency in large population cohorts (gnomAD); This variant is associated with the following publications: (PMID: 25525159, 16342915)

Labcorp Genetics (formerly Invitae), Labcorp
Classification: Pathogenic for Marfan syndrome; Familial thoracic aortic aneurysm and aortic dissection. Last evaluated: 2023-09-10. Review status: criteria provided, single submitter. Criteria: Invitae Variant Classification Sherloc (09022015). Collection method: clinical testing. Allele origin: germline.
Comment: This sequence change creates a premature translational stop signal (p.Trp217*) in the FBN1 gene. It is expected to result in an absent or disrupted protein product. Loss-of-function variants in FBN1 are known to be pathogenic (PMID: 17657824, 19293843). For these reasons, this variant has been classified as Pathogenic. This premature translational stop signal has been observed in individual(s) with Marfan syndrome (PMID: 16342915). This variant is not present in population databases (gnomAD no frequency).

Victorian Clinical Genetics Services, Murdoch Childrens Research Institute
Classification: Pathogenic for Marfan syndrome. Last evaluated: 2023-07-17. Review status: criteria provided, single submitter. Criteria: ACMG Guidelines, 2015. Collection method: clinical testing. Allele origin: germline. Inheritance: Autosomal dominant inheritance. Affected: yes.
Comment: Based on the classification scheme VCGS_Germline_v1.3.4, this variant is classified as Pathogenic. Following criteria are met: 0103 - Dominant negative and loss of function are known mechanisms of disease in this gene and are associated with FBN1-related disease. Variants predicted to result in nonsense mediated decay cause loss of function effects, and are more commonly associated with severe Marfan syndrome (MIM#154700). Missense variants with both dominant negative and loss of function effects on protein function, are associated with Marfan syndrome and ectopia lentis (MIM#129600) (OMIM, PMID: 29357934). The exact genotype-phenotype correlation for this gene is still unclear, and is compounded by variable expressivity (PMID: 20301510). (I) 0107 - This gene is predominantly associated with autosomal dominant disease; autosomal recessive forms of Marfan syndrome have been reported rarely (PMID: 27274304; 31950671). (I) 0115 - Variants in this gene are known to have variable expressivity. The genotype-phenotype correlations for this gene are unclear, with single variants reported in patients with a range of phenotypes (PMID: 20301510, OMIM). (I) 0201 - Variant is predicted to cause nonsense-mediated decay (NMD) and loss of protein (premature termination codon is located at least 54 nucleotides upstream of the final exon-exon junction). (SP) 0251 - This variant is heterozygous. (I) 0301 - Variant is absent from gnomAD (both v2 and v3). (SP) 0701 - Other NMD-predicted variants comparable to the one identified in this case have very strong previous evidence for pathogenicity (DECIPHER). (SP) 0801 - This variant has strong previous evidence of pathogenicity in unrelated individuals. This variant, and an alternative nucleotide change resulting in the same protein outcome (c.650G>A), have been reported as pathogenic, and observed in multiple individuals with Marfan syndrome (ClinVar, PMID: 15821637, PMID: 19618372, PMID: 31730815, PMID: 25652356). (SP) 1208 - Inheritance information for this variant is not currently available in this individual. (I) Legend: (SP) - Supporting pathogenic, (I) - Information, (SB) - Supporting benign

Clinical Genetics Laboratory, Skane University Hospital Lund
Classification: Pathogenic. Last evaluated: 2022-05-27. Review status: criteria provided, single submitter. Criteria: ACMG Guidelines, 2015. Collection method: clinical testing. Allele origin: germline. Affected: yes.

Literature cited by the submitters: PubMed 17657824 (cited by Labcorp Genetics (formerly Invitae), Labcorp); PubMed 19293843 (cited by Labcorp Genetics (formerly Invitae), Labcorp); PubMed 16342915 (cited by Labcorp Genetics (formerly Invitae), Labcorp); NCBI Bookshelf NBK1335 (cited by Victorian Clinical Genetics Services, Murdoch Childrens Research Institute); PubMed 15821637 (cited by Victorian Clinical Genetics Services, Murdoch Childrens Research Institute); PubMed 19618372 (cited by Victorian Clinical Genetics Services, Murdoch Childrens Research Institute); PubMed 20301510 (cited by Victorian Clinical Genetics Services, Murdoch Childrens Research Institute); PubMed 25652356 (cited by Victorian Clinical Genetics Services, Murdoch Childrens Research Institute); PubMed 27274304 (cited by Victorian Clinical Genetics Services, Murdoch Childrens Research Institute); PubMed 29357934 (cited by Victorian Clinical Genetics Services, Murdoch Childrens Research Institute); PubMed 31730815 (cited by Victorian Clinical Genetics Services, Murdoch Childrens Research Institute); PubMed 31950671 (cited by Victorian Clinical Genetics Services, Murdoch Childrens Research Institute).

NM_000138.5(FBN1):c.651G>A (p.Trp217Ter)

Gene: FBN1 (fibrillin 1; minus strand). Cytogenetic location: 15q21.1.
Variant type: single nucleotide variant.
Coding change: c.651G>A on transcript NM_000138.5 (MANE Select); coding-DNA position 651, G replaced by A.
Protein change: p.Trp217Ter; replaces tryptophan 217 with a stop codon.
Molecular consequence: nonsense.
Genome position (GRCh38, 1-based): chr15:48,537,696, C>T on the plus strand (G>A on the coding strand, the complement: FBN1 is on the minus strand). VCF-style: chr15-48537696-C-T. GRCh37 (hg19) VCF-style: chr15-48829893-C-T.
Other names: c.651G>A, p.Trp217Ter (NM_001406716.1, NM_001406717.1); short protein forms W217*.
Identifiers: ClinVar variation 2925579 (VCV002925579.6), dbSNP rs2505661366, ClinGen allele CA392445960.
Genomic context (GRCh38, chr15:48,537,696, plus strand): 5'-TGGAATGAAGCCACGGCGGCAGGGGTGAGGCTGGGCAGGACACATCTCACAGGGGTGGCC[C>T]CAGGCTCGGCCGACTGTGGCACAGCAGAGCGTTTTTGTGCAGACAATCCCGCTGAGTTGT-3'